The following is an entry in ClinVar:

ClinVar aggregate classification (germline): Pathogenic (1 of 4 stars; one submission).

Conditions:
Hereditary cancer-predisposing syndrome. Also called: Neoplastic Syndromes, Hereditary; Tumor predisposition; Hereditary Cancer Syndrome; Hereditary neoplastic syndrome. Identifiers: Orphanet 140162, MedGen C0027672, MeSH D009386, MONDO:0015356.

Submission:

Ambry Genetics
Classification: Pathogenic for Hereditary cancer-predisposing syndrome. Last evaluated: 2025-06-09. Review status: criteria provided, single submitter. Criteria: Ambry Variant Classification Scheme 2023. Collection method: clinical testing. Allele origin: germline.
Comment: The c.3283delC pathogenic mutation, located in coding exon 15 of the APC gene, results from a deletion of one nucleotide at nucleotide position 3283, causing a translational frameshift with a predicted alternate stop codon (p.Q1095Sfs*31). This alteration occurs at the 3' terminus of theAPC gene, is not expected to trigger nonsense-mediated mRNA decay, and impacts the last 1719 amino acids of the protein. However, premature stop codons are typically deleterious in nature, and a significant portion of the protein is affected (Ambry internal data). This variant was reported in individual(s) with features consistent with APC-related familial adenomatous polyposis (Ambry internal data). This variant is considered to be rare based on population cohorts in the Genome Aggregation Database (gnomAD). As such, this alteration is interpreted as a disease-causing mutation.

NM_000038.6(APC):c.3283del (p.Gln1095fs)

Gene: APC (APC regulator of Wnt signaling pathway; plus strand). Cytogenetic location: 5q22.2.
Variant type: Deletion.
Coding change: c.3283del on transcript NM_000038.6 (MANE Select); coding-DNA position 3283, one base deleted (C; older notation c.3283delC).
Protein change: p.Gln1095fs; shifts the reading frame from glutamine 1095.
Molecular consequence: frameshift variant.
Genome position (GRCh38, 1-based): chr5:112,838,877, C deleted. VCF-style (leftmost placement, unchanged base first): chr5-112838876-AC-A. GRCh37 (hg19) VCF-style: chr5-112174573-AC-A.
Other names: c.3283del, p.Gln1095fs (NM_001127510.3, NM_001354895.2); c.3229del, p.Gln1077fs (NM_001127511.3); c.3337del, p.Gln1113fs (NM_001354896.2); c.3313del, p.Gln1105fs (NM_001354897.2); c.3208del, p.Gln1070fs (NM_001354898.2); c.3199del, p.Gln1067fs (NM_001354899.2); c.3160del, p.Gln1054fs (NM_001354900.2); c.3106del, p.Gln1036fs (NM_001354901.2); and 16 more; short protein forms Q1054fs, Q1067fs, Q1004fs, Q1077fs, Q812fs, Q969fs, Q994fs, Q1095fs.
Identifiers: ClinVar variation 1729770 (VCV001729770.3), dbSNP rs2533486248, ClinGen allele CA2580072933.
Genomic context (GRCh38, chr5:112,838,876, plus strand): 5'-TTATCCTGTTTATACTGAGAGCACTGATGATAAACACCTCAAGTTCCAACCACATTTTGG[AC>A]AGCAGGAATGTGTTTCTCCATACAGGTCACGGGGAGCCAATGGTTCAGAAACAAATCGAG-3'